The following is an entry in ClinVar:

ClinVar aggregate classification (germline): Uncertain significance (1 of 4 stars; one submission).

Conditions:
Arrhythmogenic right ventricular dysplasia 13. Also called: ARRHYTHMOGENIC RIGHT VENTRICULAR CARDIOMYOPATHY 13; Arrhythmogenic right ventricular dysplasia, familial, 13. Identifiers: MedGen C3810138, MONDO:0000908, OMIM 615616.

Submission:

Labcorp Genetics (formerly Invitae), Labcorp
Classification: Uncertain significance for Arrhythmogenic right ventricular dysplasia 13. Last evaluated: 2024-01-31. Review status: criteria provided, single submitter. Criteria: Invitae Variant Classification Sherloc (09022015). Collection method: clinical testing. Allele origin: germline.
Comment: This sequence change creates a premature translational stop signal (p.Cys367*) in the CTNNA3 gene. It is expected to result in an absent or disrupted protein product. However, the current clinical and genetic evidence is not sufficient to establish whether loss-of-function variants in CTNNA3 cause disease. This variant is not present in population databases (gnomAD no frequency). This variant has not been reported in the literature in individuals affected with CTNNA3-related conditions. In summary, the available evidence is currently insufficient to determine the role of this variant in disease. Therefore, it has been classified as a Variant of Uncertain Significance.

NM_013266.4(CTNNA3):c.1101T>A (p.Cys367Ter)

Gene: CTNNA3 (catenin alpha 3; minus strand). Cytogenetic location: 10q21.3.
Variant type: single nucleotide variant.
Coding change: c.1101T>A on transcript NM_013266.4 (MANE Select); coding-DNA position 1101, T replaced by A.
Protein change: p.Cys367Ter; replaces cysteine 367 with a stop codon.
Molecular consequence: nonsense.
Genome position (GRCh38, 1-based): chr10:66,775,471, A>T on the plus strand (T>A on the coding strand, the complement: CTNNA3 is on the minus strand). VCF-style: chr10-66775471-A-T. GRCh37 (hg19) VCF-style: chr10-68535229-A-T.
Other names: c.1101T>A, p.Cys367Ter (NM_001127384.3); short protein forms C367*.
Identifiers: ClinVar variation 2710563 (VCV002710563.3), dbSNP rs2547557562, ClinGen allele CA377092168.
Genomic context (GRCh38, chr10:66,775,471, plus strand): 5'-TGTTTCTGACTCCATATCTCTCTCTTCCCTCACCTGTCTGCGAAGGTCTCTTGTCTTCTT[A>T]CACATGTTGTCTAAAGCAATATTCAGGGTATTACTCCTTTCTTTTTTTCCAGCCTGCAAA-3'